The following is an entry in ClinVar:

NM_000426.4(LAMA2):c.99A>G (p.Ala33=)

Gene: LAMA2 (laminin subunit alpha 2; plus strand). Cytogenetic location: 6q22.33.
Variant type: single nucleotide variant.
Coding change: c.99A>G on transcript NM_000426.4 (MANE Select); coding-DNA position 99, A replaced by G.
Protein change: p.Ala33=; no amino-acid change (alanine 33 retained).
Molecular consequence: synonymous variant.
Genome position (GRCh38, 1-based): chr6:128,883,344, A>G. VCF-style: chr6-128883344-A-G. GRCh37 (hg19) VCF-style: chr6-129204489-A-G.
Other names: c.99A>G, p.Ala33= (NM_001079823.2).
Identifiers: ClinVar variation 511610 (VCV000511610.12), dbSNP rs762858697, ClinGen allele CA451951577.

ClinVar aggregate classification (germline): Likely benign. Review status: criteria provided, multiple submitters, no conflicts (2 of 4 stars). 2 submissions from 2 submitters: Likely benign (2). Last evaluated 2023-12-19.

Conditions:
LAMA2-related muscular dystrophy (LAMA2-RD). Also called: Laminin alpha 2-related dystrophy. Identifiers: MedGen C5679788, MONDO:0100228.

Allele frequency attached by ClinVar (database versions not stated): TOPMed below 0.00001.
gnomAD v4.1: 1 of 1,598,032 alleles (0.000063%); highest among the groups gnomAD compares: Non-Finnish European, 0.000085%; no homozygotes.

Submissions (2):

Labcorp Genetics (formerly Invitae), Labcorp
Classification: Likely benign for LAMA2-related muscular dystrophy. Last evaluated: 2023-12-19. Review status: criteria provided, single submitter. Criteria: Invitae Variant Classification Sherloc (09022015). Collection method: clinical testing. Allele origin: germline.

GeneDx
Classification: Likely benign. Last evaluated: 2017-08-23. Review status: criteria provided, single submitter. Criteria: GeneDx Variant Classification (06012015). Collection method: clinical testing. Allele origin: germline. Affected: yes.
Comment: This variant is considered likely benign or benign based on one or more of the following criteria: it is a conservative change, it occurs at a poorly conserved position in the protein, it is predicted to be benign by multiple in silico algorithms, and/or has population frequency not consistent with disease.